The following is an entry in ClinVar:

NM_020944.3(GBA2):c.648C>A (p.Ser216Arg)

Gene: GBA2 (glucosylceramidase beta 2; minus strand). Cytogenetic location: 9p13.3.
Variant type: single nucleotide variant.
Coding change: c.648C>A on transcript NM_020944.3 (MANE Select); coding-DNA position 648, C replaced by A.
Protein change: p.Ser216Arg; replaces serine 216 with arginine.
Molecular consequence: missense variant.
Genome position (GRCh38, 1-based): chr9:35,741,810, G>T on the plus strand (C>A on the coding strand, the complement: GBA2 is on the minus strand). VCF-style: chr9-35741810-G-T. GRCh37 (hg19) VCF-style: chr9-35741807-G-T.
Other names: c.648C>A, p.Ser216Arg (NM_001330660.2); short protein forms S216R.
Identifiers: ClinVar variation 570607 (VCV000570607.8), dbSNP rs781642238, ClinGen allele CA5050650.

ClinVar aggregate classification (germline): Uncertain significance (1 of 4 stars; one submission).

Conditions:
Spastic paraplegia. Identifiers: MedGen C0037772, HP:0001258.

Allele frequency attached by ClinVar (database versions not stated): gnomAD exomes below 0.00001; ExAC 0.00001.
gnomAD v4.1: 4 of 1,613,548 alleles (0.00025%); highest among the groups gnomAD compares: South Asian, 0.0044%; no homozygotes.

Submission:

Labcorp Genetics (formerly Invitae), Labcorp
Classification: Uncertain significance for Spastic paraplegia. Last evaluated: 2018-01-28. Review status: criteria provided, single submitter. Criteria: Invitae Variant Classification Sherloc (09022015). Collection method: clinical testing. Allele origin: germline.
Comment: Algorithms developed to predict the effect of missense changes on protein structure and function do not agree on the potential impact of this missense change (SIFT: "Tolerated"; PolyPhen-2: "Possibly Damaging"; Align-GVGD: "Class C0"). This variant has not been reported in the literature in individuals with GBA2-related disease. This variant is present in population databases (rs781642238, ExAC 0.006%). This sequence change replaces serine with arginine at codon 216 of the GBA2 protein (p.Ser216Arg). The serine residue is moderately conserved and there is a moderate physicochemical difference between serine and arginine. In summary, the available evidence is currently insufficient to determine the role of this variant in disease. Therefore, it has been classified as a Variant of Uncertain Significance.